The following is an entry in ClinVar:

NM_002968.3(SALL1):c.478GGC[5] (p.Gly163dup)

Gene: SALL1 (spalt like transcription factor 1; minus strand). Cytogenetic location: 16q12.1.
Variant type: Microsatellite.
Coding change: c.478GGC[5] on transcript NM_002968.3 (MANE Select); five copies in a row of the 3-base unit GGC starting at c.478; the reference has four copies in a row; one copy, 3 bases duplicated.
Protein change: p.Gly163dup; duplicates glycine 163.
Molecular consequence: inframe insertion.
Genome position (GRCh38, 1-based): chr16:51,141,733-51,141,735, GCC duplicated on the plus strand (GGC on the coding strand, the reverse complement: SALL1 is on the minus strand); duplicating any 3 consecutive bases within chr16:51,141,733-51,141,746 gives the same sequence; the position shown is the placement nearest the transcript's 3' end. VCF-style (leftmost placement, unchanged base first): chr16-51141732-T-TGCC. GRCh37 (hg19) VCF-style: chr16-51175643-T-TGCC.
Other names: c.487_489dupGGC (NM_002968.2); c.187GGC[5], p.Gly66dup (NM_001127892.2).
Identifiers: ClinVar variation 258877 (VCV000258877.42), dbSNP rs1555475414, ClinGen allele CA8053448.

ClinVar aggregate classification (germline): Benign/Likely benign. Review status: criteria provided, multiple submitters, no conflicts (2 of 4 stars). 6 submissions from 6 submitters: Benign (2); Likely benign (4). Last evaluated 2026-01-25.

Conditions:
Townes syndrome (TBS). Also called: Townes-Brocks syndrome. Identifiers: Orphanet 857, MedGen C0265246, MeSH C536974, MONDO:0007142.

Submissions (6):

Labcorp Genetics (formerly Invitae), Labcorp
Classification: Likely benign for Townes syndrome. Last evaluated: 2026-01-25. Review status: criteria provided, single submitter. Criteria: Invitae Variant Classification Sherloc (09022015). Collection method: clinical testing. Allele origin: germline.

CeGaT Center for Human Genetics Tuebingen
Classification: Likely benign. Last evaluated: 2026-01-01. Review status: criteria provided, single submitter. Criteria: CeGaT Center For Human Genetics Tuebingen Variant Classification Criteria Version 2. Collection method: clinical testing. Allele origin: germline. Affected: yes. Observed: 5 variant alleles.
Comment: SALL1: BS1

Blueprint Genetics
Classification: Likely benign. Last evaluated: 2024-11-25. Review status: criteria provided, single submitter. Criteria: ACMG Guidelines, 2015. Collection method: clinical testing. Allele origin: germline.

GeneDx
Classification: Benign. Last evaluated: 2019-06-21. Review status: criteria provided, single submitter. Criteria: GeneDx Variant Classification Process June 2021. Collection method: clinical testing. Allele origin: germline. Affected: yes.

Eurofins Ntd Llc (ga)
Classification: Benign. Last evaluated: 2016-04-11. Review status: criteria provided, single submitter. Criteria: EGL Classification Definitions. Collection method: clinical testing. Allele origin: germline. Observed: 1 variant allele, 1 heterozygote.

PreventionGenetics, part of Exact Sciences
Classification: Likely benign. Review status: criteria provided, single submitter. Criteria: ACMG Guidelines, 2015. Collection method: clinical testing. Allele origin: germline.